The following is an entry in ClinVar:

NM_004548.3(NDUFB10):c.326A>G (p.Gln109Arg)

Genes: NDUFB10 (NADH:ubiquinone oxidoreductase subunit B10; plus strand), LOC130058198 (ATAC-STARR-seq lymphoblastoid active region 10241; plus strand). Cytogenetic location: 16p13.3.
Variant type: single nucleotide variant.
Coding change: c.326A>G on transcript NM_004548.3 (MANE Select); coding-DNA position 326, A replaced by G.
Protein change: p.Gln109Arg; replaces glutamine 109 with arginine.
Molecular consequence: missense variant.
Genome position (GRCh38, 1-based): chr16:1,961,553, A>G. VCF-style: chr16-1961553-A-G. GRCh37 (hg19) VCF-style: chr16-2011554-A-G.
Other names: short protein forms Q109R.
Identifiers: ClinVar variation 3403881 (VCV003403881.2).

ClinVar aggregate classification (germline): Uncertain significance. Review status: criteria provided, multiple submitters, no conflicts (2 of 4 stars). 2 submissions from 2 submitters: Uncertain significance (2). Last evaluated 2025-11-11.

gnomAD v4.1: 283 of 1,614,010 alleles (0.018%); highest among the groups gnomAD compares: Non-Finnish European, 0.023%; no homozygotes.

Submissions (2):

Labcorp Genetics (formerly Invitae), Labcorp
Classification: Uncertain significance. Last evaluated: 2025-11-11. Review status: criteria provided, single submitter. Criteria: Invitae Variant Classification Sherloc (09022015). Collection method: clinical testing. Allele origin: germline.
Comment: This sequence change replaces glutamine, which is neutral and polar, with arginine, which is basic and polar, at codon 109 of the NDUFB10 protein (p.Gln109Arg). This variant is present in population databases (rs374819190, gnomAD 0.007%). This variant has not been reported in the literature in individuals affected with NDUFB10-related conditions. ClinVar contains an entry for this variant (Variation ID: 3403881). An algorithm developed to predict the effect of missense changes on protein structure and function (PolyPhen-2) suggests that this variant is likely to be tolerated. In summary, the available evidence is currently insufficient to determine the role of this variant in disease. Therefore, it has been classified as a Variant of Uncertain Significance.

Ambry Genetics
Classification: Uncertain significance. Last evaluated: 2024-12-06. Review status: criteria provided, single submitter. Criteria: Ambry Variant Classification Scheme 2023. Collection method: clinical testing. Allele origin: germline.